The following is an entry in ClinVar:

NM_003014.4(SFRP4):c.37C>A (p.Leu13Met)

Gene: SFRP4 (secreted frizzled related protein 4; minus strand). Cytogenetic location: 7p14.1.
Variant type: single nucleotide variant.
Coding change: c.37C>A on transcript NM_003014.4 (MANE Select); coding-DNA position 37, C replaced by A.
Protein change: p.Leu13Met; replaces leucine 13 with methionine.
Molecular consequence: missense variant.
Genome position (GRCh38, 1-based): chr7:37,916,501, G>T on the plus strand (C>A on the coding strand, the complement: SFRP4 is on the minus strand). VCF-style: chr7-37916501-G-T. GRCh37 (hg19) VCF-style: chr7-37956103-G-T.
Other names: c.37C>A (NM_003014.3); short protein forms L13M.
Identifiers: ClinVar variation 1477334 (VCV001477334.7), dbSNP rs752828075, ClinGen allele CA4222972.
Genomic context (GRCh38, chr7:37,916,501, plus strand): 5'-GGCACATAGGGATGCGCACCGCCTCGCAGGGCGCGCCGCGCACGCCCAGCGCCAGGTGCA[G>T]CCACAGGCACAGCGCCACTAGGATGGAGAGGAACATGGCACTGCCCTCTCGCGCTGCGAC-3'
Protein context (NP_003005.2, residues 3-23): LSILVALCLW[Leu13Met]HLALGVRGAP

ClinVar aggregate classification (germline): Uncertain significance. Review status: criteria provided, multiple submitters, no conflicts (2 of 4 stars). 2 submissions from 2 submitters: Uncertain significance (2). Last evaluated 2024-02-24.

Conditions:
Inborn genetic diseases. Identifiers: MedGen C0950123, MeSH D030342.

Allele frequency attached by ClinVar (database versions not stated): gnomAD 0.00001; ExAC 0.00002; gnomAD exomes 0.00002 and 0.00004; TOPMed 0.00003.
gnomAD v4.1: 10 of 1,611,746 alleles (0.00062%); highest among the groups gnomAD compares: Admixed American, 0.017%; no homozygotes.

Submissions (2):

Labcorp Genetics (formerly Invitae), Labcorp
Classification: Uncertain significance. Last evaluated: 2024-02-24. Review status: criteria provided, single submitter. Criteria: Invitae Variant Classification Sherloc (09022015). Collection method: clinical testing. Allele origin: germline.
Comment: This sequence change replaces leucine, which is neutral and non-polar, with methionine, which is neutral and non-polar, at codon 13 of the SFRP4 protein (p.Leu13Met). This variant is present in population databases (rs752828075, gnomAD 0.03%). This variant has not been reported in the literature in individuals affected with SFRP4-related conditions. ClinVar contains an entry for this variant (Variation ID: 1477334). An algorithm developed to predict the effect of missense changes on protein structure and function (PolyPhen-2) suggests that this variant is likely to be tolerated. In summary, the available evidence is currently insufficient to determine the role of this variant in disease. Therefore, it has been classified as a Variant of Uncertain Significance.

Ambry Genetics
Classification: Uncertain significance for Inborn genetic diseases. Last evaluated: 2021-08-02. Review status: criteria provided, single submitter. Criteria: Ambry Variant Classification Scheme 2023. Collection method: clinical testing. Allele origin: germline.